The following is an entry in ClinVar:

ClinVar aggregate classification (germline): Likely pathogenic. Review status: criteria provided, single submitter (1 of 4 stars). 2 submissions from 2 submitters: Likely pathogenic (1). 1 of the submissions does not count toward it. Last evaluated 2024-08-13.

Conditions:
NEK1-related disorder. Also called: NEK1-related condition.
Short-rib thoracic dysplasia 6 with or without polydactyly (SRTD6). Also called: Majewski Syndrome; SHORT RIB-POLYDACTYLY SYNDROME, TYPE IIA; SHORT-RIB THORACIC DYSPLASIA 6 WITH POLYDACTYLY; SHORT-RIB THORACIC DYSPLASIA 6 WITHOUT POLYDACTYLY; POLYDACTYLY WITH NEONATAL CHONDRODYSTROPHY, TYPE II. Identifiers: MedGen C0024507, MONDO:0009894, OMIM 263520.

gnomAD v4.1: 10 of 1,606,386 alleles (0.00062%); highest among the groups gnomAD compares: Admixed American, 0.0017%; no homozygotes.

Submissions (2):

Labcorp Genetics (formerly Invitae), Labcorp
Classification: Likely pathogenic for Short-rib thoracic dysplasia 6 with or without polydactyly. Last evaluated: 2024-08-13. Review status: criteria provided, single submitter. Criteria: Invitae Variant Classification Sherloc (09022015). Collection method: clinical testing. Allele origin: germline.
Comment: This sequence change affects a donor splice site in intron 22 of the NEK1 gene. It is expected to disrupt RNA splicing. Variants that disrupt the donor or acceptor splice site typically lead to a loss of protein function (PMID: 16199547), and loss-of-function variants in NEK1 are known to be pathogenic (PMID: 22499340, 29068549). This variant is present in population databases (rs570178477, gnomAD 0.003%). This variant has not been reported in the literature in individuals affected with NEK1-related conditions. Algorithms developed to predict the effect of sequence changes on RNA splicing suggest that this variant may disrupt the consensus splice site. In summary, the currently available evidence indicates that the variant is pathogenic, but additional data are needed to prove that conclusively. Therefore, this variant has been classified as Likely Pathogenic.

PreventionGenetics, part of Exact Sciences
Classification: Likely pathogenic for NEK1-related condition. Last evaluated: 2024-06-06. Review status: no assertion criteria provided. Collection method: clinical testing. Allele origin: germline. Not counted in ClinVar's aggregate classification.
Comment: The NEK1 c.2055+1G>A variant is predicted to disrupt the GT donor site and interfere with normal splicing. To our knowledge, this variant has not been reported in the literature. This variant is reported in 0.0030% of alleles in individuals of Latino descent in gnomAD. Variants that disrupt the consensus splice donor site in NEK1 are expected to be pathogenic although they can display incomplete penetrance. This variant is interpreted as likely pathogenic.

Literature cited by the submitters: PubMed 16199547 (cited by Labcorp Genetics (formerly Invitae), Labcorp); PubMed 22499340 (cited by Labcorp Genetics (formerly Invitae), Labcorp); PubMed 29068549 (cited by Labcorp Genetics (formerly Invitae), Labcorp).

NM_001199397.3(NEK1):c.2139+1G>A

Gene: NEK1 (NIMA related kinase 1; minus strand). Cytogenetic location: 4q33.
Variant type: single nucleotide variant.
Coding change: c.2139+1G>A on transcript NM_001199397.3 (MANE Select); the canonical splice donor site of the intron after coding-DNA position 2139, G replaced by A.
Molecular consequence: splice donor variant.
Genome position (GRCh38, 1-based): chr4:169,479,402, C>T on the plus strand (G>A on the coding strand, the complement: NEK1 is on the minus strand). VCF-style: chr4-169479402-C-T. GRCh37 (hg19) VCF-style: chr4-170400553-C-T.
Other names: c.1833+1G>A (NM_001374421.1); c.2004+1G>A (NM_001374420.1); c.1848+1G>A (NM_001199399.3); c.2007+1G>A (NM_001199398.3); c.2055+1G>A (NM_001374419.1, NM_012224.4); c.1923+1G>A (NM_001199400.3); c.2139+1G>A (NM_001374418.1).
Identifiers: ClinVar variation 3344520 (VCV003344520.3).